The following is an entry in ClinVar:

NM_004260.4(RECQL4):c.1070A>G (p.Asn357Ser)

Gene: RECQL4 (RecQ like helicase 4; minus strand). Cytogenetic location: 8q24.3.
Variant type: single nucleotide variant.
Coding change: c.1070A>G on transcript NM_004260.4 (MANE Select); coding-DNA position 1070, A replaced by G.
Protein change: p.Asn357Ser; replaces asparagine 357 with serine.
Molecular consequence: missense variant.
Genome position (GRCh38, 1-based): chr8:144,516,049, T>C on the plus strand (A>G on the coding strand, the complement: RECQL4 is on the minus strand). VCF-style: chr8-144516049-T-C. GRCh37 (hg19) VCF-style: chr8-145741433-T-C.
Other names: short protein forms N357S.
Identifiers: ClinVar variation 947089 (VCV000947089.7), dbSNP rs771851520, ClinGen allele CA4949084.

ClinVar aggregate classification (germline): Uncertain significance. Review status: criteria provided, multiple submitters, no conflicts (2 of 4 stars). 2 submissions from 2 submitters: Uncertain significance (2). Last evaluated 2024-04-25.

Conditions:
Baller-Gerold syndrome (BGS). Also called: CRANIOSYNOSTOSIS WITH RADIAL DEFECTS. Identifiers: Orphanet 1225, MedGen C0265308, MONDO:0009039, OMIM 218600.

Allele frequency attached by ClinVar (database versions not stated): ExAC 0.00001; gnomAD exomes 0.00001; gnomAD 0.00002; TOPMed 0.00002.
gnomAD v4.1: 9 of 1,612,460 alleles (0.00056%); highest among the groups gnomAD compares: African/African-American, 0.011%; no homozygotes.

Submissions (2):

Labcorp Genetics (formerly Invitae), Labcorp
Classification: Uncertain significance for Baller-Gerold syndrome. Last evaluated: 2024-04-25. Review status: criteria provided, single submitter. Criteria: Invitae Variant Classification Sherloc (09022015). Collection method: clinical testing. Allele origin: germline.
Comment: This sequence change replaces asparagine, which is neutral and polar, with serine, which is neutral and polar, at codon 357 of the RECQL4 protein (p.Asn357Ser). This variant is present in population databases (rs771851520, gnomAD 0.01%). This variant has not been reported in the literature in individuals affected with RECQL4-related conditions. ClinVar contains an entry for this variant (Variation ID: 947089). Advanced modeling of protein sequence and biophysical properties (such as structural, functional, and spatial information, amino acid conservation, physicochemical variation, residue mobility, and thermodynamic stability) performed at Invitae indicates that this missense variant is expected to disrupt RECQL4 protein function with a positive predictive value of 80%. In summary, the available evidence is currently insufficient to determine the role of this variant in disease. Therefore, it has been classified as a Variant of Uncertain Significance.

GeneDx
Classification: Uncertain significance. Last evaluated: 2022-04-12. Review status: criteria provided, single submitter. Criteria: GeneDx Variant Classification Process June 2021. Collection method: clinical testing. Allele origin: germline. Affected: yes.
Comment: In silico analysis supports that this missense variant has a deleterious effect on protein structure/function; Has not been previously published as pathogenic or benign to our knowledge